The following is an entry in ClinVar:

NM_000540.3(RYR1):c.13234G>A (p.Ala4412Thr)

Gene: RYR1 (ryanodine receptor 1; plus strand). Cytogenetic location: 19q13.2.
Variant type: single nucleotide variant.
Coding change: c.13234G>A on transcript NM_000540.3 (MANE Select); coding-DNA position 13234, G replaced by A.
Protein change: p.Ala4412Thr; replaces alanine 4412 with threonine.
Molecular consequence: missense variant.
Genome position (GRCh38, 1-based): chr19:38,565,568, G>A. VCF-style: chr19-38565568-G-A. GRCh37 (hg19) VCF-style: chr19-39056208-G-A.
Other names: c.13219G>A, p.Ala4407Thr (NM_001042723.2); short protein forms A4412T, A4407T.
Identifiers: ClinVar variation 639771 (VCV000639771.12), dbSNP rs759639541, ClinGen allele CA059673.

ClinVar aggregate classification (germline): Uncertain significance. Review status: criteria provided, multiple submitters, no conflicts (2 of 4 stars). 3 submissions from 3 submitters: Uncertain significance (3). Last evaluated 2025-10-02.

Conditions:
Central core myopathy (CMYO1A). Also called: CONGENITAL MYOPATHY 1A, AUTOSOMAL DOMINANT, WITH SUSCEPTIBILITY TO MALIGNANT HYPERTHERMIA; Central core disease; Myopathy, central fibrillar. Identifiers: Orphanet 597, MedGen C5830701, MONDO:0007294, OMIM 117000.
Malignant hyperthermia, susceptibility to, 1 (MHS1). Also called: Anesthesia related hyperthermia; Malignant hyperpyrexia; Fulminating hyperpyrexia; Pharmacogenic myopathy; Malignant hyperthermia suceptibility 1; RYR1-Related Malignant Hyperthermia Susceptibility. Identifiers: Orphanet 423, MedGen C2930980, MONDO:0007783, OMIM 145600.
Congenital multicore myopathy with external ophthalmoplegia (CMYO1B). Also called: MULTIMINICORE DISEASE WITH EXTERNAL OPHTHALMOPLEGIA; Minicore myopathy with external ophthalmoplegia; Congenital myopathy 1B, autosomal recessive; Minicore myopathy; MULTICORE MYOPATHY. Identifiers: Orphanet 598, Orphanet 98905, MedGen C1850674, MONDO:0009712, OMIM 255320, HP:0003789.
King Denborough syndrome (KDS). Identifiers: MedGen C1840365, MONDO:0020485, OMIM 619542.
Congenital myopathy with fiber type disproportion. Also called: Congenital fiber-type disproportion myopathy; Congenital fiber-type disproportion. Identifiers: Orphanet 2020, MedGen C0546264, MONDO:0009711. Inheritance: all.
RYR1-related disorder. Also called: RYR1-related condition; RYR1-related disorders. Identifiers: MedGen CN239331.

Allele frequency attached by ClinVar (database versions not stated): TOPMed below 0.00001; gnomAD exomes 0.00001; ExAC 0.00012.
gnomAD v4.1: 5 of 1,476,570 alleles (0.00034%); highest among the groups gnomAD compares: South Asian, 0.0013%; no homozygotes.

Submissions (3):

Labcorp Genetics (formerly Invitae), Labcorp
Classification: Uncertain significance for RYR1-related disorder. Last evaluated: 2025-10-02. Review status: criteria provided, single submitter. Criteria: Invitae Variant Classification Sherloc (09022015). Collection method: clinical testing. Allele origin: germline.
Comment: This sequence change replaces alanine, which is neutral and non-polar, with threonine, which is neutral and polar, at codon 4412 of the RYR1 protein (p.Ala4412Thr). The frequency data for this variant in the population databases is considered unreliable, as metrics indicate poor data quality at this position in the gnomAD database. This variant has not been reported in the literature in individuals affected with RYR1-related conditions. ClinVar contains an entry for this variant (Variation ID: 639771). Invitae Evidence Modeling of protein sequence and biophysical properties (such as structural, functional, and spatial information, amino acid conservation, physicochemical variation, residue mobility, and thermodynamic stability) indicates that this missense variant is not expected to disrupt RYR1 protein function with a negative predictive value of 80%. In summary, the available evidence is currently insufficient to determine the role of this variant in disease. Therefore, it has been classified as a Variant of Uncertain Significance.

Fulgent Genetics
Classification: Uncertain significance for Central core myopathy; Malignant hyperthermia, susceptibility to, 1; Congenital myopathy 4A, autosomal dominant; Congenital multicore myopathy with external ophthalmoplegia; King Denborough syndrome. Last evaluated: 2021-10-01. Review status: criteria provided, single submitter. Criteria: ACMG Guidelines, 2015. Collection method: clinical testing. Allele origin: unknown.

Revvity Omics, Revvity
Classification: Uncertain significance. Last evaluated: 2019-03-13. Review status: criteria provided, single submitter. Criteria: ACMG Guidelines, 2015. Collection method: clinical testing. Allele origin: germline.